The following is an entry in ClinVar:

NM_006015.6(ARID1A):c.5495G>A (p.Gly1832Glu)

Gene: ARID1A (AT-rich interaction domain 1A; plus strand). Cytogenetic location: 1p36.11.
Variant type: single nucleotide variant.
Coding change: c.5495G>A on transcript NM_006015.6 (MANE Select); coding-DNA position 5495, G replaced by A.
Protein change: p.Gly1832Glu; replaces glycine 1832 with glutamic acid.
Molecular consequence: missense variant.
Genome position (GRCh38, 1-based): chr1:26,779,393, G>A. VCF-style: chr1-26779393-G-A. GRCh37 (hg19) VCF-style: chr1-27105884-G-A.
Other names: c.4844G>A, p.Gly1615Glu (NM_139135.4); short protein forms G1615E, G1832E.
Identifiers: ClinVar variation 2102206 (VCV002102206.4), dbSNP rs1570621587, ClinGen allele CA339185659.
Genomic context (GRCh38, chr1:26,779,393, plus strand): 5'-TTCCAGTAAAGATCGTACAGAAGAATGATCCATTTGTGGTGGACTGCTCAGATAAGCTTG[G>A]GCGTGTGCAGGAGTTTGACAGTGGCCTGCTGCACTGGCGGATTGGTGGGGGGGACACCAC-3'
Protein context (NP_006006.3, residues 1822-1842): PFVVDCSDKL[Gly1832Glu]RVQEFDSGLL

ClinVar aggregate classification (germline): Uncertain significance (1 of 4 stars; one submission).

Submission:

Labcorp Genetics (formerly Invitae), Labcorp
Classification: Uncertain significance. Last evaluated: 2022-02-22. Review status: criteria provided, single submitter. Criteria: Invitae Variant Classification Sherloc (09022015). Collection method: clinical testing. Allele origin: germline.
Comment: This variant has not been reported in the literature in individuals affected with ARID1A-related conditions. This variant is not present in population databases (gnomAD no frequency). This sequence change replaces glycine, which is neutral and non-polar, with glutamic acid, which is acidic and polar, at codon 1832 of the ARID1A protein (p.Gly1832Glu). Advanced modeling of protein sequence and biophysical properties (such as structural, functional, and spatial information, amino acid conservation, physicochemical variation, residue mobility, and thermodynamic stability) performed at Invitae indicates that this missense variant is not expected to disrupt ARID1A protein function. In summary, the available evidence is currently insufficient to determine the role of this variant in disease. Therefore, it has been classified as a Variant of Uncertain Significance.